The following is an entry in ClinVar:

NM_022828.5(YTHDC2):c.1689-3C>A

Gene: YTHDC2 (YTH N6-methyladenosine RNA binding protein C2; plus strand). Cytogenetic location: 5q22.2.
Variant type: single nucleotide variant.
Coding change: c.1689-3C>A on transcript NM_022828.5 (MANE Select); 3 bases into the intron before coding-DNA position 1689, C replaced by A.
Molecular consequence: intron variant.
Genome position (GRCh38, 1-based): chr5:113,553,178, C>A. VCF-style: chr5-113553178-C-A. GRCh37 (hg19) VCF-style: chr5-112888875-C-A.
Other names: c.1203-3C>A (NM_001345975.2); c.789-3C>A (NM_001345976.2).
Identifiers: ClinVar variation 3042060 (VCV003042060.2), dbSNP rs72805421, ClinGen allele CA562218194.

ClinVar aggregate classification (germline): Likely benign (0 of 4 stars; one submission).

Conditions:
YTHDC2-related disorder. Also called: YTHDC2-related condition.

Allele frequency attached by ClinVar (database versions not stated): 1000 Genomes Project 30x 0.02467.

Submission:

PreventionGenetics, part of Exact Sciences
Classification: Likely benign for YTHDC2-related condition. Last evaluated: 2019-05-23. Review status: no assertion criteria provided. Collection method: clinical testing. Allele origin: germline.
Comment: This variant is classified as likely benign based on ACMG/AMP sequence variant interpretation guidelines (Richards et al. 2015 PMID: 25741868, with internal and published modifications).